The following is an entry in ClinVar:

NM_003579.4(RAD54L):c.2192T>C (p.Ile731Thr)

Genes: LRRC41 (leucine rich repeat containing 41; minus strand), RAD54L (RAD54 like; plus strand). Cytogenetic location: 1p34.1.
Variant type: single nucleotide variant.
Coding change: c.2192T>C on transcript NM_003579.4 (MANE Select); coding-DNA position 2192, T replaced by C.
Protein change: p.Ile731Thr; replaces isoleucine 731 with threonine.
Molecular consequence: missense variant. On other transcripts: 3 prime UTR variant (1).
Genome position (GRCh38, 1-based): chr1:46,278,230, T>C. VCF-style: chr1-46278230-T-C. GRCh37 (hg19) VCF-style: chr1-46743902-T-C.
Other names: c.*635A>G (NM_006369.5); c.2192T>C, p.Ile731Thr (NM_001142548.2); c.1652T>C, p.Ile551Thr (NM_001370766.1); short protein forms I551T, I731T.
Identifiers: ClinVar variation 3312478 (VCV003312478.1).

ClinVar aggregate classification (germline): Uncertain significance (1 of 4 stars; one submission).

Submission:

Ambry Genetics
Classification: Uncertain significance. Last evaluated: 2024-05-24. Review status: criteria provided, single submitter. Criteria: Ambry Variant Classification Scheme 2023. Collection method: clinical testing. Allele origin: germline.
Comment: The p.I731T variant (also known as c.2192T>C), located in coding exon 18 of the RAD54L gene, results from a T to C substitution at nucleotide position 2192. The isoleucine at codon 731 is replaced by threonine, an amino acid with similar properties. This amino acid position is conserved. In addition, the in silico prediction for this alteration is inconclusive. Based on the available evidence, the clinical significance of this variant remains unclear.